The following is an entry in ClinVar:

ClinVar aggregate classification (germline): Conflicting classifications of pathogenicity. Review status: criteria provided, conflicting classifications (1 of 4 stars). 4 submissions from 4 submitters: Uncertain significance (3); Likely benign (1). Last evaluated 2026-01-31.

Conditions:
Inborn genetic diseases. Identifiers: MedGen C0950123, MeSH D030342.
Nemaline myopathy 2 (NEM2). Also called: Nemaline myopathy 2, autosomal recessive. Identifiers: MedGen C1850569, MONDO:0009725, OMIM 256030.

Allele frequency attached by ClinVar (database versions not stated): gnomAD 0.00001 and 0.00009; TOPMed 0.00002; gnomAD exomes 0.00017 and 0.00034; ExAC 0.00044; 1000 Genomes Project 30x 0.00047; 1000 Genomes Project 0.00060.
gnomAD v4.1: 262 of 1,610,468 alleles (0.016%); highest among the groups gnomAD compares: South Asian, 0.25%; 3 homozygotes.

Submissions (4):

Labcorp Genetics (formerly Invitae), Labcorp
Classification: Likely benign for Nemaline myopathy 2. Last evaluated: 2026-01-31. Review status: criteria provided, single submitter. Criteria: Invitae Variant Classification Sherloc (09022015). Collection method: clinical testing. Allele origin: germline.

Ambry Genetics
Classification: Uncertain significance for Inborn genetic diseases. Last evaluated: 2025-05-25. Review status: criteria provided, single submitter. Criteria: Ambry Variant Classification Scheme 2023. Collection method: clinical testing. Allele origin: germline.

GeneDx
Classification: Uncertain significance. Last evaluated: 2024-12-02. Review status: criteria provided, single submitter. Criteria: GeneDx Variant Classification Process June 2021. Collection method: clinical testing. Allele origin: germline. Affected: yes.
Comment: In silico analysis indicates that this missense variant does not alter protein structure/function; Has not been previously published as pathogenic or benign to our knowledge

Blueprint Genetics
Classification: Uncertain significance. Last evaluated: 2024-11-08. Review status: criteria provided, single submitter. Criteria: ACMG Guidelines, 2015. Collection method: clinical testing. Allele origin: germline.

NM_001164508.2(NEB):c.21513A>C (p.Gln7171His)

Genes: NEB (nebulin; minus strand), RIF1 (replication timing regulatory factor 1; plus strand). Cytogenetic location: 2q23.3.
Variant type: single nucleotide variant.
Coding change: c.21513A>C on transcript NM_001164508.2 (MANE Select); coding-DNA position 21513, A replaced by C.
Protein change: p.Gln7171His; replaces glutamine 7171 with histidine.
Molecular consequence: missense variant.
Genome position (GRCh38, 1-based): chr2:151,531,801, T>G on the plus strand (A>C on the coding strand, the complement: NEB is on the minus strand). VCF-style: chr2-151531801-T-G. GRCh37 (hg19) VCF-style: chr2-152388315-T-G.
Other names: c.16410A>C (NM_004543.4); c.21513A>C, p.Gln7171His (NM_001164507.2); c.21618A>C, p.Gln7206His (NM_001271208.2); c.16410A>C, p.Gln5470His (NM_004543.5); short protein forms Q7206H, Q5470H, Q7171H.
Identifiers: ClinVar variation 514362 (VCV000514362.15), dbSNP rs542149432, ClinGen allele CA1906958.
Genomic context (GRCh38, chr2:151,531,801, plus strand): 5'-TTGCAGATGCCCCCTGAGTTTGAGAAGGTATTCAGTGTTTCTTGCACTTACATCGCTGAT[T>G]TGTTTGTTGACTTTTGTAGTACGCAGGTGTTCTGGAGTATCCACAATTGAGGTAAATTTG-3'
Protein context (NP_001157980.2, residues 7161-7181): EHLRTTKVNK[Gln7171His]ISDILYKLEY